The following is an entry in ClinVar:

ClinVar aggregate classification (germline): Uncertain significance (1 of 4 stars; one submission).

Conditions:
Kabuki syndrome. Also called: Kabuki make-up syndrome; NIIKAWA-KUROKI SYNDROME. Identifiers: Orphanet 2322, MedGen C0796004, MONDO:0016512.

Submission:

Labcorp Genetics (formerly Invitae), Labcorp
Classification: Uncertain significance for Kabuki syndrome. Last evaluated: 2022-04-04. Review status: criteria provided, single submitter. Criteria: Invitae Variant Classification Sherloc (09022015). Collection method: clinical testing. Allele origin: germline.
Comment: This variant has not been reported in the literature in individuals affected with KMT2D-related conditions. This sequence change replaces lysine, which is basic and polar, with glutamine, which is neutral and polar, at codon 1705 of the KMT2D protein (p.Lys1705Gln). This variant is not present in population databases (gnomAD no frequency). Advanced modeling of protein sequence and biophysical properties (such as structural, functional, and spatial information, amino acid conservation, physicochemical variation, residue mobility, and thermodynamic stability) performed at Invitae indicates that this missense variant is not expected to disrupt KMT2D protein function. In summary, the available evidence is currently insufficient to determine the role of this variant in disease. Therefore, it has been classified as a Variant of Uncertain Significance.

NM_003482.4(KMT2D):c.5113A>C (p.Lys1705Gln)

Gene: KMT2D (lysine methyltransferase 2D; minus strand). Cytogenetic location: 12q13.12.
Variant type: single nucleotide variant.
Coding change: c.5113A>C on transcript NM_003482.4 (MANE Select); coding-DNA position 5113, A replaced by C.
Protein change: p.Lys1705Gln; replaces lysine 1705 with glutamine.
Molecular consequence: missense variant.
Genome position (GRCh38, 1-based): chr12:49,044,275, T>G on the plus strand (A>C on the coding strand, the complement: KMT2D is on the minus strand). VCF-style: chr12-49044275-T-G. GRCh37 (hg19) VCF-style: chr12-49438058-T-G.
Other names: short protein forms K1705Q.
Identifiers: ClinVar variation 2120603 (VCV002120603.4), dbSNP rs2498418133, ClinGen allele CA384636818.
Genomic context (GRCh38, chr12:49,044,275, plus strand): 5'-CATCCCCACTCAACACCTCCGCCTGTGCAGCAGGCCCCTTTTTCGTGCGTGTGTGGGATT[T>G]CCGCTGTCGCACCATGAAACCACCAATGCCTATGAGGAGGCAGAGTTGTGGATGAGAAGC-3'
Protein context (NP_003473.3, residues 1695-1715): GIGGFMVRQR[Lys1705Gln]SHTRTKKGPA